The following is an entry in ClinVar:

NM_005739.4(RASGRP1):c.1831G>C (p.Val611Leu)

Gene: RASGRP1 (RAS guanyl releasing protein 1; minus strand). Cytogenetic location: 15q14.
Variant type: single nucleotide variant.
Coding change: c.1831G>C on transcript NM_005739.4 (MANE Select); coding-DNA position 1831, G replaced by C.
Protein change: p.Val611Leu; replaces valine 611 with leucine.
Molecular consequence: missense variant.
Genome position (GRCh38, 1-based): chr15:38,498,836, C>G on the plus strand (G>C on the coding strand, the complement: RASGRP1 is on the minus strand). VCF-style: chr15-38498836-C-G. GRCh37 (hg19) VCF-style: chr15-38791037-C-G.
Other names: c.1726G>C, p.Val576Leu (NM_001128602.2, NM_001306086.2); short protein forms V611L, V576L.
Identifiers: ClinVar variation 1938643 (VCV001938643.5), dbSNP rs753586174, ClinGen allele CA391662619.
Genomic context (GRCh38, chr15:38,498,836, plus strand): 5'-TTCCCAGTGCCTACTTACCATGGAGCAGATCTTTGGCTCCCAATGAGCAAAGGTTGGACA[C>G]TGGCCCCACAGAAGTGTTGTTCTCTGTGGGAGCTACTGGGTTCTTGGCTCGCTTCTTACA-3'
Protein context (NP_005730.2, residues 601-621): PTENNTSVGP[Val611Leu]SNLCSLGAKD

ClinVar aggregate classification (germline): Uncertain significance (1 of 4 stars; one submission).

gnomAD v4.1: 1 of 1,613,872 alleles (0.000062%); highest among the groups gnomAD compares: Non-Finnish European, 0.000085%; no homozygotes.

Submission:

Labcorp Genetics (formerly Invitae), Labcorp
Classification: Uncertain significance. Last evaluated: 2022-08-09. Review status: criteria provided, single submitter. Criteria: Invitae Variant Classification Sherloc (09022015). Collection method: clinical testing. Allele origin: germline.
Comment: In summary, the available evidence is currently insufficient to determine the role of this variant in disease. Therefore, it has been classified as a Variant of Uncertain Significance. Algorithms developed to predict the effect of missense changes on protein structure and function (SIFT, PolyPhen-2, Align-GVGD) all suggest that this variant is likely to be tolerated. This variant has not been reported in the literature in individuals affected with RASGRP1-related conditions. This variant is not present in population databases (gnomAD no frequency). This sequence change replaces valine, which is neutral and non-polar, with leucine, which is neutral and non-polar, at codon 611 of the RASGRP1 protein (p.Val611Leu).